The following is an entry in ClinVar:

ClinVar aggregate classification (germline): Uncertain significance (1 of 4 stars; one submission).

Conditions:
Autosomal recessive polycystic kidney disease (ARPKD). Also called: AR polycystic kidney disease. Identifiers: Orphanet 731, Orphanet 8378, MedGen C0085548, MeSH D017044, MONDO:0009889.

Submission:

Labcorp Genetics (formerly Invitae), Labcorp
Classification: Uncertain significance for Autosomal recessive polycystic kidney disease. Last evaluated: 2023-12-27. Review status: criteria provided, single submitter. Criteria: Invitae Variant Classification Sherloc (09022015). Collection method: clinical testing. Allele origin: germline.
Comment: This sequence change replaces alanine, which is neutral and non-polar, with asparagine, which is neutral and polar, at codon 3157 of the PKHD1 protein (p.Ala3157Asn). Information on the frequency of this variant in the gnomAD database is not available, as this variant may be reported differently in the database. This variant has not been reported in the literature in individuals affected with PKHD1-related conditions. ClinVar contains an entry for this variant (Variation ID: 241848). An algorithm developed to predict the effect of missense changes on protein structure and function (PolyPhen-2) suggests that this variant is likely to be disruptive. In summary, the available evidence is currently insufficient to determine the role of this variant in disease. Therefore, it has been classified as a Variant of Uncertain Significance.

NM_138694.4(PKHD1):c.9469_9470delinsAA (p.Ala3157Asn)

Gene: PKHD1 (PKHD1 ciliary IPT domain containing fibrocystin/polyductin; minus strand). Cytogenetic location: 6p12.3.
Variant type: Indel.
Coding change: c.9469_9470delinsAA on transcript NM_138694.4 (MANE Select); coding-DNA positions 9469 to 9470, GC replaced by AA.
Protein change: p.Ala3157Asn; replaces alanine 3157 with asparagine.
Molecular consequence: missense variant.
Genome position (GRCh38, 1-based): chr6:51,748,146-51,748,147, GC replaced by TT on the plus strand (GC replaced by AA on the coding strand, the reverse complement: PKHD1 is on the minus strand). VCF-style: chr6-51748146-GC-TT. GRCh37 (hg19) VCF-style: chr6-51612944-GC-TT.
Other names: c.9469_9470delinsAA, p.Ala3157Asn (NM_170724.3); short protein forms A3157N.
Identifiers: ClinVar variation 241848 (VCV000241848.7), dbSNP rs878855204, ClinGen allele CA10582453.